The following is an entry in ClinVar:

NM_004304.5(ALK):c.2099A>G (p.Gln700Arg)

Gene: ALK (ALK receptor tyrosine kinase; minus strand). Cytogenetic location: 2p23.2.
Variant type: single nucleotide variant.
Coding change: c.2099A>G on transcript NM_004304.5 (MANE Select); coding-DNA position 2099, A replaced by G.
Protein change: p.Gln700Arg; replaces glutamine 700 with arginine.
Molecular consequence: missense variant.
Genome position (GRCh38, 1-based): chr2:29,251,210, T>C on the plus strand (A>G on the coding strand, the complement: ALK is on the minus strand). VCF-style: chr2-29251210-T-C. GRCh37 (hg19) VCF-style: chr2-29474076-T-C.
Other names: short protein forms Q700R.
Identifiers: ClinVar variation 944929 (VCV000944929.9), dbSNP rs1664808216, ClinGen allele CA346477062.

ClinVar aggregate classification (germline): Uncertain significance (1 of 4 stars; one submission).

Conditions:
Neuroblastoma, susceptibility to, 3. Also called: ALK-Related Neuroblastic Tumor Susceptibility. Identifiers: Orphanet 635, MedGen C2751681, MONDO:0013083, OMIM 613014.

Submission:

Labcorp Genetics (formerly Invitae), Labcorp
Classification: Uncertain significance for Neuroblastoma, susceptibility to, 3. Last evaluated: 2019-08-16. Review status: criteria provided, single submitter. Criteria: Invitae Variant Classification Sherloc (09022015). Collection method: clinical testing. Allele origin: germline.
Comment: In summary, the available evidence is currently insufficient to determine the role of this variant in disease. Therefore, it has been classified as a Variant of Uncertain Significance. Algorithms developed to predict the effect of missense changes on protein structure and function (SIFT, PolyPhen-2, Align-GVGD) all suggest that this variant is likely to be disruptive, but these predictions have not been confirmed by published functional studies and their clinical significance is uncertain. This variant has not been reported in the literature in individuals with ALK-related conditions. This variant is not present in population databases (ExAC no frequency). This sequence change replaces glutamine with arginine at codon 700 of the ALK protein (p.Gln700Arg). The glutamine residue is highly conserved and there is a small physicochemical difference between glutamine and arginine.